The following is an entry in ClinVar:

ClinVar aggregate classification (germline): Uncertain significance. Review status: criteria provided, multiple submitters, no conflicts (2 of 4 stars). 2 submissions from 2 submitters: Uncertain significance (2). Last evaluated 2025-11-18.

Conditions:
Hereditary cancer-predisposing syndrome. Also called: Hereditary neoplastic syndrome; Tumor predisposition; Neoplastic Syndromes, Hereditary; Hereditary Cancer Syndrome. Identifiers: Orphanet 140162, MedGen C0027672, MeSH D009386, MONDO:0015356.

Submissions (2):

Ambry Genetics
Classification: Uncertain significance for Hereditary cancer-predisposing syndrome. Last evaluated: 2025-11-18. Review status: criteria provided, single submitter. Criteria: Ambry Variant Classification Scheme 2023. Collection method: clinical testing. Allele origin: germline.
Comment: The p.A566V variant (also known as c.1697C>T), located in coding exon 16 of the POLE gene, results from a C to T substitution at nucleotide position 1697. The alanine at codon 566 is replaced by valine, an amino acid with similar properties. This amino acid position is conserved. In addition, the in silico prediction for this alteration is inconclusive. Based on the available evidence, the clinical significance of this variant remains unclear.

Labcorp Genetics (formerly Invitae), Labcorp
Classification: Uncertain significance. Last evaluated: 2025-05-13. Review status: criteria provided, single submitter. Criteria: Invitae Variant Classification Sherloc (09022015). Collection method: clinical testing. Allele origin: germline.
Comment: This sequence change replaces alanine, which is neutral and non-polar, with valine, which is neutral and non-polar, at codon 566 of the POLE protein (p.Ala566Val). This variant is not present in population databases (gnomAD no frequency). This variant has not been reported in the literature in individuals affected with POLE-related conditions. ClinVar contains an entry for this variant (Variation ID: 954573). Invitae Evidence Modeling of protein sequence and biophysical properties (such as structural, functional, and spatial information, amino acid conservation, physicochemical variation, residue mobility, and thermodynamic stability) indicates that this missense variant is not expected to disrupt POLE protein function with a negative predictive value of 80%. In summary, the available evidence is currently insufficient to determine the role of this variant in disease. Therefore, it has been classified as a Variant of Uncertain Significance.

NM_006231.4(POLE):c.1697C>T (p.Ala566Val)

Gene: POLE (DNA polymerase epsilon, catalytic subunit; minus strand). Cytogenetic location: 12q24.33.
Variant type: single nucleotide variant.
Coding change: c.1697C>T on transcript NM_006231.4 (MANE Select); coding-DNA position 1697, C replaced by T.
Protein change: p.Ala566Val; replaces alanine 566 with valine.
Molecular consequence: missense variant.
Genome position (GRCh38, 1-based): chr12:132,672,312, G>A on the plus strand (C>T on the coding strand, the complement: POLE is on the minus strand). VCF-style: chr12-132672312-G-A. GRCh37 (hg19) VCF-style: chr12-133248898-G-A.
Other names: c.1697C>T (NM_006231.2); short protein forms A566V.
Identifiers: ClinVar variation 954573 (VCV000954573.10), dbSNP rs1276389760, ClinGen allele CA387356406.
Genomic context (GRCh38, chr12:132,672,312, plus strand): 5'-TCCTCTTCCTCAAGGGCGTGGCGCAAGGTCTTCTCAACCCGCTGCAGCAGGAAGTCAAAG[G>A]CGGCAGGATTCTAGCACAACAGTGAGACGACGGGGTCAGAGGGGAAACACACCCACACTA-3'
Protein context (NP_006222.2, residues 556-576): IPCRFRMNPA[Ala566Val]FDFLLQRVEK